The following is an entry in ClinVar:

NM_001288705.3(CSF1R):c.595A>G (p.Ile199Val)

Gene: CSF1R (colony stimulating factor 1 receptor; minus strand). Cytogenetic location: 5q32.
Variant type: single nucleotide variant.
Coding change: c.595A>G on transcript NM_001288705.3 (MANE Select); coding-DNA position 595, A replaced by G.
Protein change: p.Ile199Val; replaces isoleucine 199 with valine.
Molecular consequence: missense variant. On other transcripts: non-coding transcript variant (2).
Genome position (GRCh38, 1-based): chr5:150,078,246, T>C on the plus strand (A>G on the coding strand, the complement: CSF1R is on the minus strand). VCF-style: chr5-150078246-T-C. GRCh37 (hg19) VCF-style: chr5-149457809-T-C.
Other names: c.595A>G, p.Ile199Val (NM_001349736.2, NM_001375320.1, NM_005211.4); c.151A>G, p.Ile51Val (NM_001375321.1); short protein forms I51V, I199V.
Identifiers: ClinVar variation 4697374 (VCV004697374.1).

ClinVar aggregate classification (germline): Uncertain significance (1 of 4 stars; one submission).

gnomAD v4.1: 10 of 1,614,048 alleles (0.00062%); highest among the groups gnomAD compares: African/African-American, 0.0027%; no homozygotes.

Submission:

Labcorp Genetics (formerly Invitae), Labcorp
Classification: Uncertain significance. Last evaluated: 2025-08-08. Review status: criteria provided, single submitter. Criteria: Invitae Variant Classification Sherloc (09022015). Collection method: clinical testing. Allele origin: germline.
Comment: This sequence change replaces isoleucine, which is neutral and non-polar, with valine, which is neutral and non-polar, at codon 199 of the CSF1R protein (p.Ile199Val). This variant is present in population databases (rs545394093, gnomAD 0.004%). This variant has not been reported in the literature in individuals affected with CSF1R-related conditions. An algorithm developed to predict the effect of missense changes on protein structure and function outputs the following: PolyPhen-2: "Benign". The valine amino acid residue is found in multiple mammalian species, which suggests that this missense change does not adversely affect protein function. In summary, the available evidence is currently insufficient to determine the role of this variant in disease. Therefore, it has been classified as a Variant of Uncertain Significance.